The following is an entry in ClinVar:

NM_015192.4(PLCB1):c.3639_3640dup (p.Thr1214fs)

Gene: PLCB1 (phospholipase C beta 1; plus strand). Cytogenetic location: 20p12.3.
Variant type: Duplication.
Coding change: c.3639_3640dup on transcript NM_015192.4 (MANE Select); coding-DNA positions 3639 to 3640, 2 bases duplicated (TA; older notation c.3639_3640dupTA).
Protein change: p.Thr1214fs; shifts the reading frame from threonine 1214.
Molecular consequence: frameshift variant. On other transcripts: 3 prime UTR variant (1).
Genome position (GRCh38, 1-based): chr20:8,881,837-8,881,838, TA duplicated; duplicating any 2 consecutive bases within chr20:8,881,836-8,881,838 gives the same sequence; the c. name uses the placement nearest the transcript's 3' end. VCF-style (leftmost placement, unchanged base first): chr20-8881835-G-GAT. GRCh37 (hg19) VCF-style: chr20-8862482-G-GAT.
Other names: c.*235_*236dup (NM_182734.3); short protein forms T1214fs.
Identifiers: ClinVar variation 2505016 (VCV002505016.2), dbSNP rs2514558937, ClinGen allele CA2573332295.

ClinVar aggregate classification (germline): Uncertain significance (1 of 4 stars; one submission).

Submission:

GeneDx
Classification: Uncertain significance. Last evaluated: 2025-10-01. Review status: criteria provided, single submitter. Criteria: GeneDx Variant Classification Process June 2021. Collection method: clinical testing. Allele origin: germline.
Comment: Frameshift variant predicted to result in abnormal protein length as the last 3 amino acids are replaced with 40 different amino acids with an unclear effect on protein function; Not observed at significant frequency in large population cohorts (gnomAD); Has not been previously published as pathogenic or benign to our knowledge